The following is an entry in ClinVar:

NM_014225.6(PPP2R1A):c.536C>T (p.Pro179Leu)

Gene: PPP2R1A (protein phosphatase 2 scaffold subunit Aalpha; plus strand). Cytogenetic location: 19q13.41.
Variant type: single nucleotide variant.
Coding change: c.536C>T on transcript NM_014225.6 (MANE Select); coding-DNA position 536, C replaced by T.
Protein change: p.Pro179Leu; replaces proline 179 with leucine.
Molecular consequence: missense variant. On other transcripts: 5 prime UTR variant (1), non-coding transcript variant (1).
Genome position (GRCh38, 1-based): chr19:52,212,718, C>T. VCF-style: chr19-52212718-C-T. GRCh37 (hg19) VCF-style: chr19-52715971-C-T.
Other names: c.-2C>T (NM_001363656.2); short protein forms P179L.
Identifiers: ClinVar variation 190313 (VCV000190313.16), dbSNP rs786205228, ClinGen allele CA199664.

ClinVar aggregate classification (germline): Pathogenic. Review status: criteria provided, multiple submitters, no conflicts (2 of 4 stars). 7 submissions from 7 submitters: Pathogenic (5). 2 of the submissions do not count toward it. Last evaluated 2025-07-14.

Conditions:
PPP2R1A-related disorder.
Inborn genetic diseases. Identifiers: MedGen C0950123, MeSH D030342.
PPP2R1A-related neurodevelopmental disorders.
Houge-Janssens syndrome 2. Also called: INTELLECTUAL DEVELOPMENTAL DISORDER, AUTOSOMAL DOMINANT 36; Microcephaly-corpus callosum hypoplasia-intellectual disability-facial dysmorphism syndrome; PPP2R1A-Related Neurodevelopmental Disorder. Identifiers: Orphanet 457284, MedGen C4225352, MONDO:0014605, OMIM 616362.

Submissions (7):

Labcorp Genetics (formerly Invitae), Labcorp
Classification: Pathogenic. Last evaluated: 2025-07-14. Review status: criteria provided, single submitter. Criteria: Invitae Variant Classification Sherloc (09022015). Collection method: clinical testing. Allele origin: germline.
Comment: This sequence change replaces proline, which is neutral and non-polar, with leucine, which is neutral and non-polar, at codon 179 of the PPP2R1A protein (p.Pro179Leu). This variant is not present in population databases (gnomAD no frequency). This missense change has been observed in individual(s) with clinical features of PPP2R1A-related conditions (PMID: 26168268, 33106617). In at least one individual the variant was observed to be de novo. ClinVar contains an entry for this variant (Variation ID: 190313). Invitae Evidence Modeling of protein sequence and biophysical properties (such as structural, functional, and spatial information, amino acid conservation, physicochemical variation, residue mobility, and thermodynamic stability) indicates that this missense variant is expected to disrupt PPP2R1A protein function with a positive predictive value of 80%. This variant disrupts the p.Pro179 amino acid residue in PPP2R1A. Other variant(s) that disrupt this residue have been determined to be pathogenic (PMID: 36209351). This suggests that this residue is clinically significant, and that variants that disrupt this residue are likely to be disease-causing. For these reasons, this variant has been classified as Pathogenic.

Blueprint Genetics
Classification: Pathogenic for PPP2R1A-related disorders. Last evaluated: 2024-05-21. Review status: criteria provided, single submitter. Criteria: ACMG Guidelines, 2015. Collection method: clinical testing. Allele origin: germline. Affected: yes. Observed: 1 variant allele.

GeneDx
Classification: Pathogenic. Last evaluated: 2021-11-30. Review status: criteria provided, single submitter. Criteria: GeneDx Variant Classification Process June 2021. Collection method: clinical testing. Allele origin: germline. Affected: yes.
Comment: Published functional studies demonstrate a damaging effect: cellular binding assays show impaired PP2A holoenzyme formation and decreased PP2A activity compared to wild-type (Houge et al., 2015); Not observed at significant frequency in large population cohorts (gnomAD); In silico analysis supports that this missense variant has a deleterious effect on protein structure/function; This variant is associated with the following publications: (PMID: 28867141, 27879972, 25533962, 26168268, 28135719, 33106617, 31785789)

Illumina Laboratory Services, Illumina
Classification: Pathogenic for PPP2R1A-related neurodevelopmental disorders. Last evaluated: 2020-03-26. Review status: criteria provided, single submitter. Criteria: ICSLVariantClassificationCriteria RUGD 01 April 2020. Collection method: clinical testing. Allele origin: unknown.
Comment: The PPP2R1A c.536C>T (p.Pro179Leu) variant is a missense variant that has been reported in a heterozygous de novo state in two individuals with a neurodevelopmental disorder (Fitzgerald et al. 2015; Houge et al. 2015). One of the affected individuals was noted to have hypotonia, speech impairment, severe intellectual disability, corpus callosum agenesis, cortical visual impairment and microcephaly and was unable to walk unsupported (Houge et al. 2015). The other individual presented with intellectual disability, joint hypermobility, aplasia/hypoplasia of the corpus callosum, deviation of the 5th finger, pectus excavatum, and seizures. The variant was absent from 1013 controls (Fitzgerald et al. 2015) and is absent from the Genome Aggregation Database in a region of good sequence coverage and is therefore presumed to be rare. The Pro179 residue is located in the fifth HEAT domain, and HEAT domains are thought to aid in interaction with the regulatory and catalytic subunits of the PP2A holoenzyme (Houge et al. 2015). Expression of Pro179Leu variant protein in HEK293 cells showed 50% reduced binding to the catayltic subunit as well as 50% reduction in phosphatase activity (Houge et al. 2015). Based on the collective evidence and application of ACMG criteria, the p.Pro179Leu variant is classified as pathogenic for PPP2R1A-related neurodevelopmental disorder.

Ambry Genetics
Classification: Pathogenic for Inborn genetic diseases. Last evaluated: 2020-01-23. Review status: criteria provided, single submitter. Criteria: Ambry Variant Classification Scheme 2023. Collection method: clinical testing. Allele origin: germline.
Comment: The alteration results in an amino acid change:_x000D_ _x000D_ The c.536C>T (p.P179L) alteration is located in coding exon 5 of the PPP2R1A gene. This alteration results from a C to T substitution at nucleotide position 536, causing the proline (P) at amino acid position 179 to be replaced by a leucine (L). The alteration is not observed in population databases:_x000D_ _x000D_ Based on data from the Genome Aggregation Database (gnomAD), the PPP2R1A c.536C>T alteration was not observed, with coverage at this position. The alteration has been observed in affected individuals: _x000D_ _x000D_ The PPP2R1A c.536C>T (p.P179L) alteration has been reported previously as a de novo alteration in two unrelated individuals with similar neurodevelopmental phenotypes (Hough, 2015; The Deciphering Developmental Disorders Study, 2015). This alteration has been identified as a de novo event in multiple additional individuals (Ambry internal data). The altered amino acid is conserved throughout evolution:_x000D_ _x000D_ The p.P179 amino acid is conserved in available vertebrate species. Functional analysis reveals a damaging effect of the amino acid alteration: _x000D_ _x000D_ Functional analysis using cellular binding assays demonstrated that the P179L alteration affected Ser/Thr protein phosphatase 2A (PP2A) holoenzyme formation (Hough, 2015). Measurement of PP2A activity showed decreased phosphatase activity of P179L compared to wild-type protein indicating this alteration impairs catalytic activity. The alteration is predicted inconclusive by in silico modeling:_x000D_ _x000D_ The in silico prediction for the p.P179L alteration is inconclusive. Based on the available evidence, this alteration is classified as pathogenic.

PreventionGenetics, part of Exact Sciences
Classification: Pathogenic for PPP2R1A-related condition. Last evaluated: 2024-05-30. Review status: no assertion criteria provided. Collection method: clinical testing. Allele origin: germline. Not counted in ClinVar's aggregate classification.
Comment: The PPP2R1A c.536C>T variant is predicted to result in the amino acid substitution p.Pro179Leu. This variant has been reported as a de novo finding in multiple individuals with developmental disorders (see, for example, Table S4, Fitzgerald et al. 2015. PubMed ID: 25533962; Houge et al. 2015. PubMed ID: 26168268; Lenaerts et al. 2020. PubMed ID: 33106617). This variant has not been reported in a large population database, indicating it is rare. In vitro experimental studies suggest this variant impacts protein function (Houge et al. 2015. PubMed ID: 26168268; Lenaerts et al. 2020. PubMed ID: 33106617). Another missense variant affecting this amino acid (p.Pro179His) has also been reported in an individual with PPP2R1A-related developmental disorder (Baker et al. 2022. PubMed ID: 36209351). This variant is interpreted as pathogenic.

OMIM
Classification: Pathogenic for HOUGE-JANSSENS SYNDROME 2. Last evaluated: 2015-03-12. Review status: no assertion criteria provided. Collection method: literature only. Allele origin: germline. Not counted in ClinVar's aggregate classification.

Literature cited by the submitters: PubMed 26168268 (cited by Labcorp Genetics (formerly Invitae), Labcorp and Illumina Laboratory Services, Illumina); PubMed 33106617 (cited by Labcorp Genetics (formerly Invitae), Labcorp); PubMed 36209351 (cited by Labcorp Genetics (formerly Invitae), Labcorp); PubMed 25533962 (cited by Illumina Laboratory Services, Illumina and OMIM).